The following is an entry in ClinVar:

ClinVar aggregate classification (germline): Likely benign. Review status: criteria provided, single submitter (1 of 4 stars). 2 submissions from 2 submitters: Likely benign (1). 1 of the submissions does not count toward it. Last evaluated 2025-06-22.

Conditions:
ADAMTS10-related disorder. Also called: ADAMTS10-related condition.

gnomAD v4.1: 35 of 1,614,028 alleles (0.0022%); highest among the groups gnomAD compares: Admixed American, 0.052%; no homozygotes.

Submissions (2):

Labcorp Genetics (formerly Invitae), Labcorp
Classification: Likely benign. Last evaluated: 2025-06-22. Review status: criteria provided, single submitter. Criteria: Invitae Variant Classification Sherloc (09022015). Collection method: clinical testing. Allele origin: germline.

PreventionGenetics, part of Exact Sciences
Classification: Likely benign for ADAMTS10-related condition. Last evaluated: 2019-07-15. Review status: no assertion criteria provided. Collection method: clinical testing. Allele origin: germline. Not counted in ClinVar's aggregate classification.
Comment: This variant is classified as likely benign based on ACMG/AMP sequence variant interpretation guidelines (Richards et al. 2015 PMID: 25741868, with internal and published modifications).

NM_030957.4(ADAMTS10):c.1374C>A (p.Pro458=)

Gene: ADAMTS10 (ADAM metallopeptidase with thrombospondin type 1 motif 10; minus strand). Cytogenetic location: 19p13.2.
Variant type: single nucleotide variant.
Coding change: c.1374C>A on transcript NM_030957.4 (MANE Select); coding-DNA position 1374, C replaced by A.
Protein change: p.Pro458=; no amino-acid change (proline 458 retained).
Molecular consequence: synonymous variant.
Genome position (GRCh38, 1-based): chr19:8,595,867, G>T on the plus strand (C>A on the coding strand, the complement: ADAMTS10 is on the minus strand). VCF-style: chr19-8595867-G-T. GRCh37 (hg19) VCF-style: chr19-8660751-G-T.
Other names: c.1374C>A (NM_030957.3).
Identifiers: ClinVar variation 1537827 (VCV001537827.10), dbSNP rs782777529, ClinGen allele CA9160531.
Genomic context (GRCh38, chr19:8,595,867, plus strand): 5'-TTGCTCATCTGCATCGTAGGCTTGGCCCGGTGCCACTGTCGGGTACACAAAGTCCTGTCT[G>T]GGGGGCCGGTTGTTCAGGCAGAGCCCCAGGCCCGAGCTGCCTCGAGAGAAAAGCAACTGT-3'
Protein context (NP_112219.3, residues 448-468): GLGLCLNNRP[Pro458=]RQDFVYPTVA